The following is an entry in ClinVar:

NM_001258244.2(TMEM218):c.-4C>T

Gene: TMEM218 (transmembrane protein 218; minus strand). Cytogenetic location: 11q24.2.
Variant type: single nucleotide variant.
Coding change: c.-4C>T on transcript NM_001258244.2 (MANE Select); 4 bases upstream of the start codon, C replaced by T.
Molecular consequence: 5 prime UTR variant. On other transcripts: synonymous variant (5), non-coding transcript variant (6), intron variant (5).
Genome position (GRCh38, 1-based): chr11:125,102,245, G>A on the plus strand (C>T on the coding strand, the complement: TMEM218 is on the minus strand). VCF-style: chr11-125102245-G-A. GRCh37 (hg19) VCF-style: chr11-124972141-G-A.
Other names: c.-4C>T (NM_001258245.2, NM_001258246.3, NM_001258247.2 and 27 more transcripts); c.102C>T, p.Arg34= (NM_001387255.1, NM_001387256.1, NM_001387257.1 and 2 more transcripts); c.29+392C>T (NM_001387250.1, NM_001387253.1, NM_001387252.1 and 2 more transcripts).
Identifiers: ClinVar variation 2642513 (VCV002642513.25), dbSNP rs201160103, ClinGen allele CA6347391.
Genomic context (GRCh38, chr11:125,102,245, plus strand): 5'-CCAGAGCAGGGCTAAGATGAACACGCCCGCACCGACTCCGAGCACAGTGCCAGCCATCCC[G>A]CGGGGAGGCAGCGGCGGCCCCCCGCCCTGCGCGCCGCACGATCGAGTGTCCTCTGTGCTC-3'

ClinVar aggregate classification (germline): Likely benign. Review status: criteria provided, multiple submitters, no conflicts (2 of 4 stars). 2 submissions from 2 submitters: Likely benign (2). Last evaluated 2025-11-01.

Allele frequency attached by ClinVar (database versions not stated): 1000 Genomes Project 30x 0.00062; 1000 Genomes Project 0.00080; gnomAD 0.00232; TOPMed 0.00259; ESP Exome Variant Server 0.00316; ExAC 0.00336; gnomAD exomes 0.00373.
gnomAD v4.1: 5,758 of 1,612,260 alleles (0.36%); highest among the groups gnomAD compares: Non-Finnish European, 0.44%; 12 homozygotes.

Submissions (2):

CeGaT Center for Human Genetics Tuebingen
Classification: Likely benign. Last evaluated: 2025-11-01. Review status: criteria provided, single submitter. Criteria: CeGaT Center For Human Genetics Tuebingen Variant Classification Criteria Version 2. Collection method: clinical testing. Allele origin: germline. Affected: yes. Observed: 3 variant alleles.
Comment: TMEM218: BP4, BS2

Blueprint Genetics
Classification: Likely benign. Last evaluated: 2024-11-27. Review status: criteria provided, single submitter. Criteria: ACMG Guidelines, 2015. Collection method: clinical testing. Allele origin: germline.